The following is an entry in ClinVar:

NM_000064.4(C3):c.3614C>T (p.Pro1205Leu)

Gene: C3 (complement C3; minus strand). Cytogenetic location: 19p13.3.
Variant type: single nucleotide variant.
Coding change: c.3614C>T on transcript NM_000064.4 (MANE Select); coding-DNA position 3614, C replaced by T.
Protein change: p.Pro1205Leu; replaces proline 1205 with leucine.
Molecular consequence: missense variant.
Genome position (GRCh38, 1-based): chr19:6,686,778, G>A on the plus strand (C>T on the coding strand, the complement: C3 is on the minus strand). VCF-style: chr19-6686778-G-A. GRCh37 (hg19) VCF-style: chr19-6686789-G-A.
Other names: short protein forms P1205L.
Identifiers: ClinVar variation 2110152 (VCV002110152.4), dbSNP rs796972138, ClinGen allele CA304776155.
Genomic context (GRCh38, chr19:6,686,778, plus strand): 5'-CCCTTCACCCCTCCAGGCCAACCCTCACCTTTGGCTGTGGTCAGAAATTTGTTAAGAAGA[G>A]GCCCCTTCAGCCTGCCCATCTGGGCCAGAGCATAGCCAGCAATGGCCACAGTGTAGGATC-3'
Protein context (NP_000055.2, residues 1195-1215): ALAQMGRLKG[Pro1205Leu]LLNKFLTTAK

ClinVar aggregate classification (germline): Uncertain significance (1 of 4 stars; one submission).

Allele frequency attached by ClinVar (database versions not stated): gnomAD exomes 0.00001.
gnomAD v4.1: 14 of 1,614,160 alleles (0.00087%); highest among the groups gnomAD compares: Middle Eastern, 0.017%; no homozygotes.

Submission:

Labcorp Genetics (formerly Invitae), Labcorp
Classification: Uncertain significance. Last evaluated: 2023-02-14. Review status: criteria provided, single submitter. Criteria: Invitae Variant Classification Sherloc (09022015). Collection method: clinical testing. Allele origin: germline.
Comment: In summary, the available evidence is currently insufficient to determine the role of this variant in disease. Therefore, it has been classified as a Variant of Uncertain Significance. Advanced modeling of protein sequence and biophysical properties (such as structural, functional, and spatial information, amino acid conservation, physicochemical variation, residue mobility, and thermodynamic stability) performed at Invitae indicates that this missense variant is not expected to disrupt C3 protein function. This variant has not been reported in the literature in individuals affected with C3-related conditions. This variant is not present in population databases (gnomAD no frequency). This sequence change replaces proline, which is neutral and non-polar, with leucine, which is neutral and non-polar, at codon 1205 of the C3 protein (p.Pro1205Leu).